The following is an entry in ClinVar:

ClinVar aggregate classification (germline): Uncertain significance (1 of 4 stars; one submission).

Conditions:
Chédiak-Higashi syndrome (CHS). Also called: Chediak-Higashi Syndrome. Identifiers: Orphanet 167, MedGen C0007965, MONDO:0008963, OMIM 214500.

Allele frequency attached by ClinVar (database versions not stated): gnomAD exomes below 0.00001; ExAC 0.00001.
gnomAD v4.1: 1 of 1,613,222 alleles (0.000062%); highest among the groups gnomAD compares: Admixed American, 0.0017%; no homozygotes.

Submission:

Labcorp Genetics (formerly Invitae), Labcorp
Classification: Uncertain significance for Chédiak-Higashi syndrome. Last evaluated: 2022-08-03. Review status: criteria provided, single submitter. Criteria: Invitae Variant Classification Sherloc (09022015). Collection method: clinical testing. Allele origin: germline.
Comment: This variant is present in population databases (rs748667700, gnomAD 0.003%). This sequence change replaces serine, which is neutral and polar, with phenylalanine, which is neutral and non-polar, at codon 1207 of the LYST protein (p.Ser1207Phe). Algorithms developed to predict the effect of missense changes on protein structure and function are either unavailable or do not agree on the potential impact of this missense change (SIFT: "Tolerated"; PolyPhen-2: "Possibly Damaging"; Align-GVGD: "Class C0"). In summary, the available evidence is currently insufficient to determine the role of this variant in disease. Therefore, it has been classified as a Variant of Uncertain Significance. This variant has not been reported in the literature in individuals affected with LYST-related conditions. ClinVar contains an entry for this variant (Variation ID: 1491517).

NM_000081.4(LYST):c.3620C>T (p.Ser1207Phe)

Gene: LYST (lysosomal trafficking regulator; minus strand). Cytogenetic location: 1q42.3.
Variant type: single nucleotide variant.
Coding change: c.3620C>T on transcript NM_000081.4 (MANE Select); coding-DNA position 3620, C replaced by T.
Protein change: p.Ser1207Phe; replaces serine 1207 with phenylalanine.
Molecular consequence: missense variant.
Genome position (GRCh38, 1-based): chr1:235,803,000, G>A on the plus strand (C>T on the coding strand, the complement: LYST is on the minus strand). VCF-style: chr1-235803000-G-A. GRCh37 (hg19) VCF-style: chr1-235966300-G-A.
Other names: c.3620C>T, p.Ser1207Phe (NM_001301365.1); short protein forms S1207F.
Identifiers: ClinVar variation 1491517 (VCV001491517.8), dbSNP rs748667700, ClinGen allele CA1467030.